The following is an entry in ClinVar:

NM_001184.4(ATR):c.5900G>A (p.Gly1967Asp)

Gene: ATR (ATR checkpoint kinase; minus strand). Cytogenetic location: 3q23.
Variant type: single nucleotide variant.
Coding change: c.5900G>A on transcript NM_001184.4 (MANE Select); coding-DNA position 5900, G replaced by A.
Protein change: p.Gly1967Asp; replaces glycine 1967 with aspartic acid.
Molecular consequence: missense variant.
Genome position (GRCh38, 1-based): chr3:142,493,310, C>T on the plus strand (G>A on the coding strand, the complement: ATR is on the minus strand). VCF-style: chr3-142493310-C-T. GRCh37 (hg19) VCF-style: chr3-142212152-C-T.
Other names: c.5708G>A, p.Gly1903Asp (NM_001354579.2); short protein forms G1967D, G1903D.
Identifiers: ClinVar variation 392269 (VCV000392269.10), dbSNP rs751198306, ClinGen allele CA2649446.

ClinVar aggregate classification (germline): Uncertain significance. Review status: criteria provided, multiple submitters, no conflicts (2 of 4 stars). 6 submissions from 5 submitters: Uncertain significance (6). Last evaluated 2025-09-05.

Conditions:
Seckel syndrome 1 (SCKL1). Also called: MICROCEPHALIC PRIMORDIAL DWARFISM I. Identifiers: Orphanet 808, MedGen C4551474, MONDO:0008869, OMIM 210600.
Familial cutaneous telangiectasia and oropharyngeal predisposition cancer syndrome. Identifiers: Orphanet 313846, MedGen C3281203, MONDO:0013806, OMIM 614564.
Inborn genetic diseases. Identifiers: MedGen C0950123, MeSH D030342.

Allele frequency attached by ClinVar (database versions not stated): gnomAD exomes below 0.00001 and 0.00001; TOPMed below 0.00001; ExAC 0.00002.
gnomAD v4.1: 4 of 1,609,618 alleles (0.00025%); highest among the groups gnomAD compares: Admixed American, 0.0051%; no homozygotes.

Submissions (6):

Ambry Genetics
Classification: Uncertain significance for Inborn genetic diseases. Last evaluated: 2025-09-05. Review status: criteria provided, single submitter. Criteria: Ambry Variant Classification Scheme 2023. Collection method: clinical testing. Allele origin: germline.

Fulgent Genetics
Classification: Uncertain significance for Seckel syndrome 1; Familial cutaneous telangiectasia and oropharyngeal predisposition cancer syndrome. Last evaluated: 2024-05-01. Review status: criteria provided, single submitter. Criteria: ACMG Guidelines, 2015. Collection method: clinical testing. Allele origin: germline.

Genome-Nilou Lab
Classification: Uncertain significance for Seckel syndrome 1. Last evaluated: 2023-02-08. Review status: criteria provided, single submitter. Criteria: ACMG Guidelines, 2015. Collection method: clinical testing. Allele origin: germline.

Genome-Nilou Lab
Classification: Uncertain significance for Familial cutaneous telangiectasia and oropharyngeal predisposition cancer syndrome. Last evaluated: 2023-02-08. Review status: criteria provided, single submitter. Criteria: ACMG Guidelines, 2015. Collection method: clinical testing. Allele origin: germline.

Labcorp Genetics (formerly Invitae), Labcorp
Classification: Uncertain significance. Last evaluated: 2022-01-12. Review status: criteria provided, single submitter. Criteria: Invitae Variant Classification Sherloc (09022015). Collection method: clinical testing. Allele origin: germline.
Comment: In summary, the available evidence is currently insufficient to determine the role of this variant in disease. Therefore, it has been classified as a Variant of Uncertain Significance. Algorithms developed to predict the effect of missense changes on protein structure and function are either unavailable or do not agree on the potential impact of this missense change (SIFT: "Deleterious"; PolyPhen-2: "Probably Damaging"; Align-GVGD: "Class C15"). ClinVar contains an entry for this variant (Variation ID: 392269). This variant has not been reported in the literature in individuals affected with ATR-related conditions. This variant is present in population databases (rs751198306, gnomAD 0.009%). This sequence change replaces glycine, which is neutral and non-polar, with aspartic acid, which is acidic and polar, at codon 1967 of the ATR protein (p.Gly1967Asp).

GeneDx
Classification: Uncertain significance. Last evaluated: 2016-12-27. Review status: criteria provided, single submitter. Criteria: GeneDx Variant Classification (06012015). Collection method: clinical testing. Allele origin: germline. Affected: yes.
Comment: A variant of uncertain significance has been identified in the ATR gene. The G1967D variant has not been published as a pathogenic variant, nor has it been reported as a benign variant to our knowledge. The G1967D variant is not observed in large population cohorts (Lek et al., 2016; 1000 Genomes Consortium et al., 2015; Exome Variant Server). The G1967D variant is a non-conservative amino acid substitution, which is likely to impact secondary protein structure as these residues differ in polarity, charge, size and/or other properties. This substitution occurs at a position that is conserved across species, and in silico analysis predicts this variant is probably damaging to the protein structure/function. Based on the currently available information, it is unclear whether this variant is a pathogenic variant or a rare benign variant.